The following is an entry in ClinVar:

NM_020719.3(PRR12):c.4423C>A (p.Pro1475Thr)

Gene: PRR12 (proline rich 12; plus strand). Cytogenetic location: 19q13.33.
Variant type: single nucleotide variant.
Coding change: c.4423C>A on transcript NM_020719.3 (MANE Select); coding-DNA position 4423, C replaced by A.
Protein change: p.Pro1475Thr; replaces proline 1475 with threonine.
Molecular consequence: missense variant.
Genome position (GRCh38, 1-based): chr19:49,601,568, C>A. VCF-style: chr19-49601568-C-A. GRCh37 (hg19) VCF-style: chr19-50104825-C-A.
Other names: short protein forms P1475T.
Identifiers: ClinVar variation 2324279 (VCV002324279.28), dbSNP rs201085398, ClinGen allele CA9578481.
Genomic context (GRCh38, chr19:49,601,568, plus strand): 5'-GAGAAACCCCCACCCACTCCACCTCCTGCCCCGACTCCTCAGCCTCAGCCTCCGCCACCC[C>A]CTCCGCCGCCACAGCCAGCCCTGCCCTCGCCACCCCCGCTGGTGGCCCCCACGCCCAGCT-3'
Protein context (NP_065770.1, residues 1465-1485): PTPQPQPPPP[Pro1475Thr]PPPQPALPSP

ClinVar aggregate classification (germline): Likely benign. Review status: criteria provided, multiple submitters, no conflicts (2 of 4 stars). 3 submissions from 3 submitters: Likely benign (3). Last evaluated 2026-09-01.

Conditions:
Inborn genetic diseases. Identifiers: MedGen C0950123, MeSH D030342.

Allele frequency attached by ClinVar (database versions not stated): 1000 Genomes Project 0.00080; 1000 Genomes Project 30x 0.00156; ExAC 0.00332; TOPMed 0.00527; gnomAD 0.00530.
gnomAD v4.1: 11,230 of 1,541,600 alleles (0.73%); highest among the groups gnomAD compares: Non-Finnish European, 0.88%; 64 homozygotes.

Submissions (3):

CeGaT Center for Human Genetics Tuebingen
Classification: Likely benign. Last evaluated: 2026-09-01. Review status: criteria provided, single submitter. Criteria: CeGaT Center For Human Genetics Tuebingen Variant Classification Criteria Version 2. Collection method: clinical testing. Allele origin: germline. Affected: yes. Observed: 22 variant alleles.
Comment: PRR12: BS2

Blueprint Genetics
Classification: Likely benign. Last evaluated: 2024-11-27. Review status: criteria provided, single submitter. Criteria: ACMG Guidelines, 2015. Collection method: clinical testing. Allele origin: germline.

Ambry Genetics
Classification: Likely benign for Inborn genetic diseases. Last evaluated: 2021-08-30. Review status: criteria provided, single submitter. Criteria: Ambry Variant Classification Scheme 2023. Collection method: clinical testing. Allele origin: germline.